The following is an entry in ClinVar:

NM_001282933.2(ZNF341):c.1199G>A (p.Arg400Lys)

Gene: ZNF341 (zinc finger protein 341; plus strand). Cytogenetic location: 20q11.22.
Variant type: single nucleotide variant.
Coding change: c.1199G>A on transcript NM_001282933.2 (MANE Select); coding-DNA position 1199, G replaced by A.
Protein change: p.Arg400Lys; replaces arginine 400 with lysine.
Molecular consequence: missense variant. On other transcripts: non-coding transcript variant (1).
Genome position (GRCh38, 1-based): chr20:33,762,032, G>A. VCF-style: chr20-33762032-G-A. GRCh37 (hg19) VCF-style: chr20-32349838-G-A.
Other names: c.929G>A, p.Arg310Lys (NM_001282935.2); c.1178G>A, p.Arg393Lys (NM_032819.5); short protein forms R310K, R400K, R393K.
Identifiers: ClinVar variation 3005668 (VCV003005668.3), dbSNP rs767590915, ClinGen allele CA9819384.
Genomic context (GRCh38, chr20:33,762,032, plus strand): 5'-GTGGTGGCACCGTGTCTCGAAACTCTGTGACCGTACAGGTCATGGCCCTGAACCCCAGCA[G>A]GCAGGAGGACGAGGAAAGCACAGGTGGGTGGAAGTAGGGAACGCCATGCTTCCCACACCT-3'
Protein context (NP_001269862.1, residues 390-410): TVQVMALNPS[Arg400Lys]QEDEESTGLG

ClinVar aggregate classification (germline): Uncertain significance (1 of 4 stars; one submission).

Allele frequency attached by ClinVar (database versions not stated): ExAC 0.00001; gnomAD exomes 0.00001.
gnomAD v4.1: 14 of 1,569,078 alleles (0.00089%); highest among the groups gnomAD compares: Non-Finnish European, 0.0011%; no homozygotes.

Submission:

Labcorp Genetics (formerly Invitae), Labcorp
Classification: Uncertain significance. Last evaluated: 2024-04-01. Review status: criteria provided, single submitter. Criteria: Invitae Variant Classification Sherloc (09022015). Collection method: clinical testing. Allele origin: germline.
Comment: This sequence change replaces arginine, which is basic and polar, with lysine, which is basic and polar, at codon 393 of the ZNF341 protein (p.Arg393Lys). The frequency data for this variant in the population databases is considered unreliable, as metrics indicate poor data quality at this position in the gnomAD database. This variant has not been reported in the literature in individuals affected with ZNF341-related conditions. An algorithm developed to predict the effect of missense changes on protein structure and function (PolyPhen-2) suggests that this variant is likely to be tolerated. In summary, the available evidence is currently insufficient to determine the role of this variant in disease. Therefore, it has been classified as a Variant of Uncertain Significance.